The following is an entry in ClinVar:

NM_005188.4(CBL):c.940A>G (p.Ile314Val)

Gene: CBL (Cbl proto-oncogene; plus strand). Cytogenetic location: 11q23.3.
Variant type: single nucleotide variant.
Coding change: c.940A>G on transcript NM_005188.4 (MANE Select); coding-DNA position 940, A replaced by G.
Protein change: p.Ile314Val; replaces isoleucine 314 with valine.
Molecular consequence: missense variant.
Genome position (GRCh38, 1-based): chr11:119,276,067, A>G. VCF-style: chr11-119276067-A-G. GRCh37 (hg19) VCF-style: chr11-119146777-A-G.
Other names: short protein forms I314V.
Identifiers: ClinVar variation 3827847 (VCV003827847.2).

ClinVar aggregate classification (germline): Uncertain significance. Review status: criteria provided, multiple submitters, no conflicts (2 of 4 stars). 2 submissions from 2 submitters: Uncertain significance (2). Last evaluated 2026-01-22.

Conditions:
Cardiovascular phenotype. Identifiers: MedGen CN230736.
RASopathy. Also called: Noonan spectrum disorder; rasopathies. Identifiers: Orphanet 536391, MedGen C5555857, MONDO:0021060.

gnomAD v4.1: 1 of 1,614,070 alleles (0.000062%); highest among the groups gnomAD compares: Non-Finnish European, 0.000085%; no homozygotes.

Submissions (2):

Labcorp Genetics (formerly Invitae), Labcorp
Classification: Uncertain significance for RASopathy. Last evaluated: 2026-01-22. Review status: criteria provided, single submitter. Criteria: Invitae Variant Classification Sherloc (09022015). Collection method: clinical testing. Allele origin: germline.
Comment: This sequence change replaces isoleucine, which is neutral and non-polar, with valine, which is neutral and non-polar, at codon 314 of the CBL protein (p.Ile314Val). This variant is not present in population databases (gnomAD no frequency). This variant has not been reported in the literature in individuals affected with CBL-related conditions. ClinVar contains an entry for this variant (Variation ID: 3827847). Invitae Evidence Modeling of protein sequence and biophysical properties (such as structural, functional, and spatial information, amino acid conservation, physicochemical variation, residue mobility, and thermodynamic stability) has been performed for this missense variant. However, the output from this modeling did not meet the statistical confidence thresholds required to predict the impact of this variant on CBL protein function. In summary, the available evidence is currently insufficient to determine the role of this variant in disease. Therefore, it has been classified as a Variant of Uncertain Significance.

Ambry Genetics
Classification: Uncertain significance for Cardiovascular phenotype. Last evaluated: 2025-02-12. Review status: criteria provided, single submitter. Criteria: Ambry Variant Classification Scheme 2023. Collection method: clinical testing. Allele origin: germline.
Comment: The p.I314V variant (also known as c.940A>G), located in coding exon 6 of the CBL gene, results from an A to G substitution at nucleotide position 940. The isoleucine at codon 314 is replaced by valine, an amino acid with highly similar properties. This amino acid position is conserved. In addition, the in silico prediction for this alteration is inconclusive. Based on the available evidence, the clinical significance of this variant remains unclear.